The following is an entry in ClinVar:

NM_015627.3(LDLRAP1):c.346A>T (p.Ile116Phe)

Gene: LDLRAP1 (low density lipoprotein receptor adaptor protein 1; plus strand). Cytogenetic location: 1p36.11.
Variant type: single nucleotide variant.
Coding change: c.346A>T on transcript NM_015627.3 (MANE Select); coding-DNA position 346, A replaced by T.
Protein change: p.Ile116Phe; replaces isoleucine 116 with phenylalanine.
Molecular consequence: missense variant.
Genome position (GRCh38, 1-based): chr1:25,557,154, A>T. VCF-style: chr1-25557154-A-T. GRCh37 (hg19) VCF-style: chr1-25883645-A-T.
Other names: short protein forms I116F.
Identifiers: ClinVar variation 2535396 (VCV002535396.2), dbSNP rs1471257845, ClinGen allele CA339078560.

ClinVar aggregate classification (germline): Uncertain significance (1 of 4 stars; one submission).

Conditions:
Cardiovascular phenotype. Identifiers: MedGen CN230736.

Submission:

Ambry Genetics
Classification: Uncertain significance for Cardiovascular phenotype. Last evaluated: 2023-07-12. Review status: criteria provided, single submitter. Criteria: Ambry Variant Classification Scheme 2023. Collection method: clinical testing. Allele origin: germline.
Comment: The p.I116F variant (also known as c.346A>T), located in coding exon 4 of the LDLRAP1 gene, results from an A to T substitution at nucleotide position 346. The isoleucine at codon 116 is replaced by phenylalanine, an amino acid with highly similar properties. This amino acid position is conserved. In addition, this alteration is predicted to be deleterious by in silico analysis. Since supporting evidence is limited at this time, the clinical significance of this alteration remains unclear.